The following is an entry in ClinVar:

ClinVar aggregate classification (germline): Uncertain significance (1 of 4 stars; one submission).

Conditions:
Catecholaminergic polymorphic ventricular tachycardia (CVPT). Also called: Catecholamine-induced polymorphic ventricular tachycardia. Identifiers: Orphanet 3286, MedGen C5574922, MONDO:0017990.

Submission:

All of Us Research Program, National Institutes of Health
Classification: Uncertain significance for Catecholaminergic polymorphic ventricular tachycardia. Last evaluated: 2023-04-27. Review status: criteria provided, single submitter. Criteria: ACMG Guidelines, 2015. Collection method: clinical testing. Allele origin: germline. Inheritance: Autosomal dominant inheritance. Observed: 1 variant allele, 1 heterozygote.
Comment: This study involves interpretation of variants in research participants for the purpose of population health screening. Participant phenotype was not available at the time of variant classification. Additional details can be found in publication PMID: 35346344, PMCID: PMC8962531

NM_001035.3(RYR2):c.14035T>C (p.Phe4679Leu)

Gene: RYR2 (ryanodine receptor 2; plus strand). Cytogenetic location: 1q43.
Variant type: single nucleotide variant.
Coding change: c.14035T>C on transcript NM_001035.3 (MANE Select); coding-DNA position 14035, T replaced by C.
Protein change: p.Phe4679Leu; replaces phenylalanine 4679 with leucine.
Molecular consequence: missense variant.
Genome position (GRCh38, 1-based): chr1:237,798,115, T>C. VCF-style: chr1-237798115-T-C. GRCh37 (hg19) VCF-style: chr1-237961415-T-C.
Other names: short protein forms F4679L.
Identifiers: ClinVar variation 3070617 (VCV003070617.1), dbSNP rs2528017892, ClinGen allele CA345419816.